The following is an entry in ClinVar:

ClinVar aggregate classification (germline): Uncertain significance (1 of 4 stars; one submission).

Conditions:
Hereditary cancer-predisposing syndrome. Also called: Hereditary Cancer Syndrome; Hereditary neoplastic syndrome; Neoplastic Syndromes, Hereditary; Tumor predisposition. Identifiers: Orphanet 140162, MedGen C0027672, MeSH D009386, MONDO:0015356.

Submission:

Ambry Genetics
Classification: Uncertain significance for Hereditary cancer-predisposing syndrome. Last evaluated: 2022-03-23. Review status: criteria provided, single submitter. Criteria: Ambry Variant Classification Scheme 2023. Collection method: clinical testing. Allele origin: germline.
Comment: The p.P518L variant (also known as c.1553C>T), located in coding exon 9 of the MEN1 gene, results from a C to T substitution at nucleotide position 1553. The proline at codon 518 is replaced by leucine, an amino acid with similar properties. This amino acid position is conserved. In addition, the in silico prediction for this alteration is inconclusive. Since supporting evidence is limited at this time, the clinical significance of this alteration remains unclear.

NM_001370259.2(MEN1):c.1553C>T (p.Pro518Leu)

Gene: MEN1 (menin 1; minus strand). Cytogenetic location: 11q13.1.
Variant type: single nucleotide variant.
Coding change: c.1553C>T on transcript NM_001370259.2 (MANE Select); coding-DNA position 1553, C replaced by T.
Protein change: p.Pro518Leu; replaces proline 518 with leucine.
Molecular consequence: missense variant.
Genome position (GRCh38, 1-based): chr11:64,804,614, G>A on the plus strand (C>T on the coding strand, the complement: MEN1 is on the minus strand). VCF-style: chr11-64804614-G-A. GRCh37 (hg19) VCF-style: chr11-64572086-G-A.
Other names: c.1568C>T, p.Pro523Leu (NM_000244.4, NM_001407145.1, NM_130800.3 and 4 more transcripts); c.1679C>T, p.Pro560Leu (NM_001370251.2, NM_001407142.1, NM_001407143.1 and 1 more transcripts); c.1553C>T, p.Pro518Leu (NM_001370260.2, NM_001370261.2, NM_001407146.1 and 2 more transcripts); c.1448C>T, p.Pro483Leu (NM_001370262.2, NM_001370263.2, NM_001407148.1 and 1 more transcripts); c.1694C>T, p.Pro565Leu (NM_001407150.1); c.1574C>T, p.Pro525Leu (NM_001407151.1); c.1388C>T, p.Pro463Leu (NM_001407152.1); short protein forms P483L, P525L, P565L, P463L, P523L, P560L, P518L.
Identifiers: ClinVar variation 1775103 (VCV001775103.2), dbSNP rs2136085023, ClinGen allele CA381178511.